The following is an entry in ClinVar:

ClinVar aggregate classification (germline): Uncertain significance. Review status: criteria provided, multiple submitters, no conflicts (2 of 4 stars). 6 submissions from 6 submitters: Uncertain significance (5). 1 of the submissions does not count toward it. Last evaluated 2025-12-18.

Conditions:
Renal carnitine transport defect (CDSP). Also called: Carnitine Deficiency, Systemic; Primary carnitine deficiency; CARNITINE DEFICIENCY, SYSTEMIC, DUE TO DEFECT IN RENAL REABSORPTION OF CARNITINE; CARNITINE TRANSPORTER, PLASMA-MEMBRANE, DEFICIENCY OF; CARNITINE UPTAKE DEFECT; Systemic primary carnitine deficiency disease. Identifiers: Orphanet 158, MedGen C0342788, MONDO:0008919, OMIM 212140.

Allele frequency attached by ClinVar (database versions not stated): TOPMed below 0.00001; ExAC 0.00002; gnomAD 0.00003 and 0.00005.
gnomAD v4.1: 11 of 1,614,032 alleles (0.00068%); highest among the groups gnomAD compares: Admixed American, 0.012%; no homozygotes.

Submissions (6):

Myriad Genetics, Inc.
Classification: Uncertain significance for Renal carnitine transport defect. Last evaluated: 2025-12-18. Review status: criteria provided, single submitter. Criteria: Myriad Autosomal Dominant, Autosomal Recessive and X-Linked Classification Criteria (2023). Collection method: clinical testing. Allele origin: unknown.
Comment: NM_003060.3(SLC22A5):c.1552C>G(P518A) is a missense variant classified as a variant of uncertain significance in the context of primary carnitine deficiency. P518A has been observed in cases with relevant disease (PMID: 38456273, 35947370). Relevant functional assessments of this variant are available in the literature (PMID: 36343260). P518A has not been observed in referenced population frequency databases. In summary, there is insufficient evidence to classify NM_003060.3(SLC22A5):c.1552C>G(P518A) as pathogenic or benign. Please note: this variant was assessed in the context of healthy population screening.

GeneDx
Classification: Uncertain significance. Last evaluated: 2024-12-09. Review status: criteria provided, single submitter. Criteria: GeneDx Variant Classification Process June 2021. Collection method: clinical testing. Allele origin: germline. Affected: yes.
Comment: Not observed at significant frequency in large population cohorts (gnomAD); In silico analysis supports that this missense variant has a deleterious effect on protein structure/function; Has not been previously published as pathogenic or benign to our knowledge

Blueprint Genetics
Classification: Uncertain significance. Last evaluated: 2024-10-08. Review status: criteria provided, single submitter. Criteria: ACMG Guidelines, 2015. Collection method: clinical testing. Allele origin: germline.

Giacomini Lab, University of California, San Francisco
Classification: Uncertain significance for Renal carnitine transport defect. Last evaluated: 2022-10-03. Review status: criteria provided, single submitter. Criteria: ACMG Guidelines, 2015. Collection method: research, in vitro. Allele origin: germline, not applicable.

Labcorp Genetics (formerly Invitae), Labcorp
Classification: Uncertain significance for Renal carnitine transport defect. Last evaluated: 2022-08-24. Review status: criteria provided, single submitter. Criteria: Invitae Variant Classification Sherloc (09022015). Collection method: clinical testing. Allele origin: germline.
Comment: This sequence change replaces proline, which is neutral and non-polar, with alanine, which is neutral and non-polar, at codon 518 of the SLC22A5 protein (p.Pro518Ala). This variant is present in population databases (rs768925240, gnomAD no frequency). This variant has not been reported in the literature in individuals affected with SLC22A5-related conditions. ClinVar contains an entry for this variant (Variation ID: 657702). Advanced modeling of protein sequence and biophysical properties (such as structural, functional, and spatial information, amino acid conservation, physicochemical variation, residue mobility, and thermodynamic stability) performed at Invitae indicates that this missense variant is expected to disrupt SLC22A5 protein function. In summary, the available evidence is currently insufficient to determine the role of this variant in disease. Therefore, it has been classified as a Variant of Uncertain Significance.

Natera, Inc.
Classification: Uncertain significance for Primary systemic carnitine deficiency. Last evaluated: 2020-01-03. Review status: no assertion criteria provided. Collection method: clinical testing. Allele origin: germline. Not counted in ClinVar's aggregate classification.

Literature cited by the submitters: PubMed 35947370 (cited by Myriad Genetics, Inc.); PubMed 36343260 (cited by Myriad Genetics, Inc.); PubMed 38456273 (cited by Myriad Genetics, Inc.).

NM_003060.4(SLC22A5):c.1552C>G (p.Pro518Ala)

Gene: SLC22A5 (solute carrier family 22 member 5; plus strand). Cytogenetic location: 5q31.1.
Variant type: single nucleotide variant.
Coding change: c.1552C>G on transcript NM_003060.4 (MANE Select); coding-DNA position 1552, C replaced by G.
Protein change: p.Pro518Ala; replaces proline 518 with alanine.
Molecular consequence: missense variant.
Genome position (GRCh38, 1-based): chr5:132,393,777, C>G. VCF-style: chr5-132393777-C-G. GRCh37 (hg19) VCF-style: chr5-131729469-C-G.
Other names: p.Pro518Ala; c.1624C>G, p.Pro542Ala (NM_001308122.2); short protein forms P518A, P542A.
Identifiers: ClinVar variation 657702 (VCV000657702.11), dbSNP rs768925240, ClinGen allele CA3404195.